The following is an entry in ClinVar:

NM_001082486.2(ACD):c.994C>T (p.His332Tyr)

Gene: ACD (ACD shelterin complex subunit and telomerase recruitment factor; minus strand). Cytogenetic location: 16q22.1.
Variant type: single nucleotide variant.
Coding change: c.994C>T on transcript NM_001082486.2 (MANE Select); coding-DNA position 994, C replaced by T.
Protein change: p.His332Tyr; replaces histidine 332 with tyrosine.
Molecular consequence: missense variant.
Genome position (GRCh38, 1-based): chr16:67,658,198, G>A on the plus strand (C>T on the coding strand, the complement: ACD is on the minus strand). VCF-style: chr16-67658198-G-A. GRCh37 (hg19) VCF-style: chr16-67692101-G-A.
Other names: c.907C>T, p.His303Tyr (NM_001410884.1); c.985C>T, p.His329Tyr (NM_022914.3); short protein forms H329Y, H303Y, H332Y.
Identifiers: ClinVar variation 3480038 (VCV003480038.1).

ClinVar aggregate classification (germline): Uncertain significance (1 of 4 stars; one submission).

Conditions:
Inborn genetic diseases. Identifiers: MedGen C0950123, MeSH D030342.

Submission:

Ambry Genetics
Classification: Uncertain significance for Inborn genetic diseases. Last evaluated: 2024-07-05. Review status: criteria provided, single submitter. Criteria: Ambry Variant Classification Scheme 2023. Collection method: clinical testing. Allele origin: germline.
Comment: The p.H418Y variant (also known as c.1252C>T), located in coding exon 10 of the ACD gene, results from a C to T substitution at nucleotide position 1252. The histidine at codon 418 is replaced by tyrosine, an amino acid with similar properties. This amino acid position is conserved. In addition, this alteration is predicted to be tolerated by in silico analysis. Based on the available evidence, the clinical significance of this variant remains unclear.